The following is an entry in ClinVar:

ClinVar aggregate classification (germline): Uncertain significance (1 of 4 stars; one submission).

Submission:

Labcorp Genetics (formerly Invitae), Labcorp
Classification: Uncertain significance. Last evaluated: 2025-05-18. Review status: criteria provided, single submitter. Criteria: Invitae Variant Classification Sherloc (09022015). Collection method: clinical testing. Allele origin: germline.
Comment: The TCF3 gene has multiple clinically relevant transcripts. This variant occurs in alternate transcript NM_001136139.3, and corresponds to NM_003200.4: c.1823-449G>C in the primary transcript. This sequence change replaces glutamine, which is neutral and polar, with histidine, which is basic and polar, at codon 574 of the TCF3 protein (p.Gln574His). This variant is not present in population databases (gnomAD no frequency). This variant has not been reported in the literature in individuals affected with TCF3-related conditions. Experimental studies and prediction algorithms are not available or were not evaluated, and the functional significance of this variant is currently unknown. In summary, the available evidence is currently insufficient to determine the role of this variant in disease. Therefore, it has been classified as a Variant of Uncertain Significance.

NM_001136139.4(TCF3):c.1722G>C (p.Gln574His)

Gene: TCF3 (transcription factor 3; minus strand). Cytogenetic location: 19p13.3.
Variant type: single nucleotide variant.
Coding change: c.1722G>C on transcript NM_001136139.4 (MANE Plus Clinical); coding-DNA position 1722, G replaced by C.
Protein change: p.Gln574His; replaces glutamine 574 with histidine.
Molecular consequence: missense variant. On other transcripts: intron variant (2).
Genome position (GRCh38, 1-based): chr19:1,612,298, C>G on the plus strand (G>C on the coding strand, the complement: TCF3 is on the minus strand). VCF-style: chr19-1612298-C-G. GRCh37 (hg19) VCF-style: chr19-1612297-C-G.
Other names: c.1820-449G>C (NM_001351778.2); c.1823-449G>C (NM_003200.5); c.1722G>C, p.Gln574His (NM_001351779.2); short protein forms Q574H.
Identifiers: ClinVar variation 4779609 (VCV004779609.1).